The following is an entry in ClinVar:

ClinVar aggregate classification (germline): Uncertain significance. Review status: criteria provided, multiple submitters, no conflicts (2 of 4 stars). 2 submissions from 2 submitters: Uncertain significance (2). Last evaluated 2025-06-07.

Allele frequency attached by ClinVar (database versions not stated): gnomAD exomes below 0.00001.
gnomAD v4.1: 1 of 1,469,120 alleles (0.000068%); highest among the groups gnomAD compares: African/African-American, 0.0014%; no homozygotes.

Submissions (2):

Ambry Genetics
Classification: Uncertain significance. Last evaluated: 2025-06-07. Review status: criteria provided, single submitter. Criteria: Ambry Variant Classification Scheme 2023. Collection method: clinical testing. Allele origin: germline.

Labcorp Genetics (formerly Invitae), Labcorp
Classification: Uncertain significance. Last evaluated: 2023-06-16. Review status: criteria provided, single submitter. Criteria: Invitae Variant Classification Sherloc (09022015). Collection method: clinical testing. Allele origin: germline.
Comment: In summary, the available evidence is currently insufficient to determine the role of this variant in disease. Therefore, it has been classified as a Variant of Uncertain Significance. An algorithm developed to predict the effect of missense changes on protein structure and function (PolyPhen-2) suggests that this variant is likely to be tolerated. ClinVar contains an entry for this variant (Variation ID: 1495583). This variant has not been reported in the literature in individuals affected with STAT4-related conditions. This variant is not present in population databases (gnomAD no frequency). This sequence change replaces histidine, which is basic and polar, with proline, which is neutral and non-polar, at codon 420 of the STAT4 protein (p.His420Pro).

NM_003151.4(STAT4):c.1259A>C (p.His420Pro)

Gene: STAT4 (signal transducer and activator of transcription 4; minus strand). Cytogenetic location: 2q32.2.
Variant type: single nucleotide variant.
Coding change: c.1259A>C on transcript NM_003151.4 (MANE Select); coding-DNA position 1259, A replaced by C.
Protein change: p.His420Pro; replaces histidine 420 with proline.
Molecular consequence: missense variant.
Genome position (GRCh38, 1-based): chr2:191,041,141, T>G on the plus strand (A>C on the coding strand, the complement: STAT4 is on the minus strand). VCF-style: chr2-191041141-T-G. GRCh37 (hg19) VCF-style: chr2-191905867-T-G.
Other names: c.1259A>C, p.His420Pro (NM_001243835.2); c.1259A>C (NM_003151.3); short protein forms H420P.
Identifiers: ClinVar variation 1495583 (VCV001495583.9), dbSNP rs1696187759, ClinGen allele CA349911587.